The following is an entry in ClinVar:

ClinVar aggregate classification (germline): Likely benign (0 of 4 stars; one submission).

Conditions:
GLA-related disorder. Also called: GLA-related condition.

Allele frequency attached by ClinVar (database versions not stated): gnomAD exomes 0.00025; 1000 Genomes Project 30x 0.00042; 1000 Genomes Project 0.00053; gnomAD 0.00101; TOPMed 0.00136.

Submission:

PreventionGenetics, part of Exact Sciences
Classification: Likely benign for GLA-related condition. Last evaluated: 2023-05-18. Review status: no assertion criteria provided. Collection method: clinical testing. Allele origin: germline.
Comment: This variant is classified as likely benign based on ACMG/AMP sequence variant interpretation guidelines (Richards et al. 2015 PMID: 25741868, with internal and published modifications).

NC_000023.11:g.101397714T>C

Genes: GLA (galactosidase alpha; minus strand), RPL36A-HNRNPH2 (RPL36A-HNRNPH2 readthrough; plus strand). Cytogenetic location: Xq22.1.
Variant type: single nucleotide variant.
Molecular consequence: intron variant (on NM_001199973.2).
Genome position: GRCh38 VCF-style: chrX-101397714-T-C. GRCh37 (hg19) VCF-style: chrX-100652702-T-C.
Other names: c.300+2257T>C (NM_001199973.2); c.177+5892T>C (NM_001199974.2).
Identifiers: ClinVar variation 3030728 (VCV003030728.2), dbSNP rs782774060, ClinGen allele CA333092931.